The following is an entry in ClinVar:

NM_002516.4(NOVA2):c.227C>T (p.Pro76Leu)

Gene: NOVA2 (NOVA alternative splicing regulator 2; minus strand). Cytogenetic location: 19q13.32.
Variant type: single nucleotide variant.
Coding change: c.227C>T on transcript NM_002516.4 (MANE Select); coding-DNA position 227, C replaced by T.
Protein change: p.Pro76Leu; replaces proline 76 with leucine.
Molecular consequence: missense variant.
Genome position (GRCh38, 1-based): chr19:45,961,012, G>A on the plus strand (C>T on the coding strand, the complement: NOVA2 is on the minus strand). VCF-style: chr19-45961012-G-A. GRCh37 (hg19) VCF-style: chr19-46464270-G-A.
Other names: short protein forms P76L.
Identifiers: ClinVar variation 1723715 (VCV001723715.2), dbSNP rs2513865774, ClinGen allele CA406443417.

ClinVar aggregate classification (germline): Uncertain significance (1 of 4 stars; one submission).

Submission:

GeneDx
Classification: Uncertain significance. Last evaluated: 2022-04-07. Review status: criteria provided, single submitter. Criteria: GeneDx Variant Classification Process June 2021. Collection method: clinical testing. Allele origin: germline. Affected: yes.
Comment: Not observed at significant frequency in large population cohorts (gnomAD); In silico analysis supports that this missense variant has a deleterious effect on protein structure/function; Has not been previously published as pathogenic or benign to our knowledge